The following is an entry in ClinVar:

ClinVar aggregate classification (germline): Uncertain significance (1 of 4 stars; one submission).

Conditions:
Charcot-Marie-Tooth disease type 1E. Also called: CHARCOT-MARIE-TOOTH DISEASE, DEMYELINATING, TYPE 1E; CHARCOT-MARIE-TOOTH NEUROPATHY AND DEAFNESS, AUTOSOMAL DOMINANT; Charcot-Marie-Tooth disease and deafness; Charcot-Marie-Tooth Neuropathy Type 1E. Identifiers: Orphanet 90658, MedGen C3495591, MONDO:0007311, OMIM 118300.

gnomAD v4.1: 3 of 1,597,194 alleles (0.00019%); highest among the groups gnomAD compares: South Asian, 0.0011%; no homozygotes.

Submission:

Kariminejad - Najmabadi Pathology & Genetics Center
Classification: Uncertain significance for Charcot-Marie-Tooth disease type 1E. Last evaluated: 2024-05-11. Review status: criteria provided, single submitter. Criteria: ACMG Guidelines, 2015. Collection method: clinical testing. Allele origin: germline. Inheritance: Autosomal dominant inheritance. Affected: yes.
Comment: PM2, PM4

NM_002677.5(PMP2):c.354T>C (p.Cys118=)

Gene: PMP2 (peripheral myelin protein 2; minus strand). Cytogenetic location: 8q21.13.
Variant type: single nucleotide variant.
Coding change: c.354T>C on transcript NM_002677.5 (MANE Select); coding-DNA position 354, T replaced by C.
Protein change: p.Cys118=; no amino-acid change (cysteine 118 retained).
Molecular consequence: synonymous variant. On other transcripts: stop lost (1).
Genome position (GRCh38, 1-based): chr8:81,443,443, A>G on the plus strand (T>C on the coding strand, the complement: PMP2 is on the minus strand). VCF-style: chr8-81443443-A-G. GRCh37 (hg19) VCF-style: chr8-82355678-A-G.
Other names: c.181T>C, p.Ter61Gln (NM_001348381.2).
Identifiers: ClinVar variation 3896951 (VCV003896951.1).